The following is an entry in ClinVar:

NM_001352754.2(ARMC9):c.1729G>A (p.Asp577Asn)

Gene: ARMC9 (armadillo repeat containing 9; plus strand). Cytogenetic location: 2q37.1.
Variant type: single nucleotide variant.
Coding change: c.1729G>A on transcript NM_001352754.2 (MANE Select); coding-DNA position 1729, G replaced by A.
Protein change: p.Asp577Asn; replaces aspartic acid 577 with asparagine.
Molecular consequence: missense variant. On other transcripts: non-coding transcript variant (1).
Genome position (GRCh38, 1-based): chr2:231,296,209, G>A. VCF-style: chr2-231296209-G-A. GRCh37 (hg19) VCF-style: chr2-232160922-G-A.
Other names: c.1729G>A, p.Asp577Asn (NM_001271466.4, NM_001291656.2, NM_001352755.2 and 3 more transcripts); c.1630G>A, p.Asp544Asn (NM_001352757.2, NM_001352758.2); short protein forms D544N, D577N.
Identifiers: ClinVar variation 1056975 (VCV001056975.7), dbSNP rs369223097, ClinGen allele CA2160465.
Genomic context (GRCh38, chr2:231,296,209, plus strand): 5'-AGGCTCCCACTGTTTATCCATTATTCATTGATTCTTTTTTTCTTTATAGAAGAGCTACCA[G>A]ATGGTGTTCTTGAATCTGATGATGATGAAGATGAAGATGATGAAGTAAGTTGGAGGTTCT-3'
Protein context (NP_001339683.2, residues 567-587): IKQLNSEELP[Asp577Asn]GVLESDDDED

ClinVar aggregate classification (germline): Uncertain significance (1 of 4 stars; one submission).

Allele frequency attached by ClinVar (database versions not stated): gnomAD 0.00001; gnomAD exomes 0.00001 and 0.00002; TOPMed 0.00001; ExAC 0.00002; ESP Exome Variant Server 0.00008.
gnomAD v4.1: 10 of 1,613,186 alleles (0.00062%); highest among the groups gnomAD compares: Non-Finnish European, 0.00085%; no homozygotes.

Submission:

Labcorp Genetics (formerly Invitae), Labcorp
Classification: Uncertain significance. Last evaluated: 2020-05-08. Review status: criteria provided, single submitter. Criteria: Invitae Variant Classification Sherloc (09022015). Collection method: clinical testing. Allele origin: germline.
Comment: This sequence change replaces aspartic acid with asparagine at codon 577 of the ARMC9 protein (p.Asp577Asn). The aspartic acid residue is moderately conserved and there is a small physicochemical difference between aspartic acid and asparagine. This variant is present in population databases (rs369223097, ExAC 0.005%). This variant has not been reported in the literature in individuals with ARMC9-related conditions. Experimental studies and prediction algorithms are not available or were not evaluated, and the functional significance of this variant is currently unknown. In summary, the available evidence is currently insufficient to determine the role of this variant in disease. Therefore, it has been classified as a Variant of Uncertain Significance.